The following is an entry in ClinVar:

ClinVar aggregate classification (germline): Uncertain significance (1 of 4 stars; one submission).

Conditions:
Hypertrophic cardiomyopathy 20. Identifiers: MedGen C3151267, MONDO:0013477, OMIM 613876.
Dilated cardiomyopathy 1CC (CMD1CC). Identifiers: Orphanet 154, MedGen C2751084, MONDO:0013147, OMIM 613122.

Allele frequency attached by ClinVar (database versions not stated): gnomAD 0.00001; TOPMed 0.00001; ExAC 0.00002.
gnomAD v4.1: 6 of 1,612,124 alleles (0.00037%); highest among the groups gnomAD compares: East Asian, 0.013%; no homozygotes.

Submission:

Labcorp Genetics (formerly Invitae), Labcorp
Classification: Uncertain significance for Dilated cardiomyopathy 1CC; Hypertrophic cardiomyopathy 20. Last evaluated: 2021-12-03. Review status: criteria provided, single submitter. Criteria: Invitae Variant Classification Sherloc (09022015). Collection method: clinical testing. Allele origin: germline.
Comment: In summary, the available evidence is currently insufficient to determine the role of this variant in disease. Therefore, it has been classified as a Variant of Uncertain Significance. Algorithms developed to predict the effect of missense changes on protein structure and function (SIFT, PolyPhen-2, Align-GVGD) all suggest that this variant is likely to be tolerated. This variant has not been reported in the literature in individuals affected with NEXN-related conditions. This variant is present in population databases (rs781371108, gnomAD 0.02%). This sequence change replaces glutamic acid, which is acidic and polar, with alanine, which is neutral and non-polar, at codon 409 of the NEXN protein (p.Glu409Ala).

NM_144573.4(NEXN):c.1226A>C (p.Glu409Ala)

Gene: NEXN (nexilin F-actin binding protein; plus strand). Cytogenetic location: 1p31.1.
Variant type: single nucleotide variant.
Coding change: c.1226A>C on transcript NM_144573.4 (MANE Select); coding-DNA position 1226, A replaced by C.
Protein change: p.Glu409Ala; replaces glutamic acid 409 with alanine.
Molecular consequence: missense variant.
Genome position (GRCh38, 1-based): chr1:77,933,454, A>C. VCF-style: chr1-77933454-A-C. GRCh37 (hg19) VCF-style: chr1-78399139-A-C.
Other names: c.1034A>C, p.Glu345Ala (NM_001172309.2); short protein forms E345A, E409A.
Identifiers: ClinVar variation 1410097 (VCV001410097.6), dbSNP rs781371108, ClinGen allele CA918825.
Genomic context (GRCh38, chr1:77,933,454, plus strand): 5'-AAAAACGACGAACAGAGGAGGAACGGAAGCATAAGCTAGAAATGGAGAAACAAGAATTTG[A>C]ACAACTGAGACAGGAAATGGGAGAGGTAAGATTTTAAGAAATATCTATATTCCCCATATT-3'
Protein context (NP_653174.3, residues 399-419): HKLEMEKQEF[Glu409Ala]QLRQEMGEEE